The following is an entry in ClinVar:

ClinVar aggregate classification (germline): Likely pathogenic (1 of 4 stars; one submission).

Conditions:
Neuronal ceroid lipofuscinosis 3 (CLN3). Identifiers: Orphanet 228346, MedGen C0751383, MONDO:0008767, OMIM 204200.

Submission:

Myriad Genetics, Inc.
Classification: Likely pathogenic for Neuronal ceroid lipofuscinosis 3. Last evaluated: 2021-12-30. Review status: criteria provided, single submitter. Criteria: Myriad Women's Health Autosomal Recessive and X-Linked Classification Criteria (2021). Collection method: clinical testing. Allele origin: unknown.
Comment: NM_001042432.1(CLN3):c.849delG(W283Cfs*8) is expected to be pathogenic in the context of CLN3-related neuronal ceroid lipofuscinosis. This variant is predicted to lead to an abnormal or absent protein product due to the creation of a premature termination codon in CLN3, a gene where loss-of-function variants are known to be pathogenic. Please note: this variant was assessed in the context of healthy population screening.

NM_001042432.2(CLN3):c.849del (p.Trp283fs)

Gene: CLN3 (CLN3 lysosomal/endosomal transmembrane protein, battenin; minus strand). Cytogenetic location: 16p12.1.
Variant type: Deletion.
Coding change: c.849del on transcript NM_001042432.2 (MANE Select); coding-DNA position 849, one base deleted (G; older notation c.849delG).
Protein change: p.Trp283fs; shifts the reading frame from tryptophan 283.
Molecular consequence: frameshift variant.
Genome position (GRCh38, 1-based): chr16:28,482,534, C deleted on the plus strand (G on the coding strand, the reverse complement: CLN3 is on the minus strand); the first of 2 consecutive C bases (chr16:28,482,534-28,482,535); deleting either gives the same sequence. VCF-style (leftmost placement, unchanged base first): chr16-28482533-AC-A. GRCh37 (hg19) VCF-style: chr16-28493854-AC-A.
Other names: c.849del, p.Trp283fs (NM_000086.2); c.777del, p.Trp259fs (NM_001286104.2); c.549del, p.Trp183fs (NM_001286105.2); c.615del, p.Trp205fs (NM_001286109.2); c.687del, p.Trp229fs (NM_001286110.2); short protein forms W183fs, W205fs, W229fs, W259fs, W283fs.
Identifiers: ClinVar variation 1726643 (VCV001726643.2), dbSNP rs2506454042, ClinGen allele CA2580091411.